The following is an entry in ClinVar:

ClinVar aggregate classification (germline): Conflicting classifications of pathogenicity. Review status: criteria provided, conflicting classifications (1 of 4 stars). 6 submissions from 6 submitters: Uncertain significance (1); Benign (2); Likely benign (1). 2 of the submissions do not count toward it. Last evaluated 2026-01-24.

Conditions:
Retinitis pigmentosa (RP). Identifiers: Orphanet 791, MedGen C0035334, MeSH D012174, MONDO:0019200, OMIM 268000. Inheritance: Autosomal dominant, autosomal recessive and X linked inheritance.

Allele frequency attached by ClinVar (database versions not stated): ESP Exome Variant Server 0.00154; TOPMed 0.00267; 1000 Genomes Project 30x 0.00765; 1000 Genomes Project 0.00819.
gnomAD v4.1: 1,248 of 1,610,218 alleles (0.078%); highest among the groups gnomAD compares: East Asian, 1.2%; 17 homozygotes.

Submissions (6):

Labcorp Genetics (formerly Invitae), Labcorp
Classification: Benign. Last evaluated: 2026-01-24. Review status: criteria provided, single submitter. Criteria: Invitae Variant Classification Sherloc (09022015). Collection method: clinical testing. Allele origin: germline.

CeGaT Center for Human Genetics Tuebingen
Classification: Benign. Last evaluated: 2025-09-01. Review status: criteria provided, single submitter. Criteria: CeGaT Center For Human Genetics Tuebingen Variant Classification Criteria Version 2. Collection method: clinical testing. Allele origin: germline. Affected: yes. Observed: 2 variant alleles.
Comment: MERTK: BP4, BS1, BS2

Blueprint Genetics
Classification: Likely benign. Last evaluated: 2024-11-18. Review status: criteria provided, single submitter. Criteria: ACMG Guidelines, 2015. Collection method: clinical testing. Allele origin: germline.

Illumina Laboratory Services, Illumina
Classification: Uncertain significance for Retinitis pigmentosa. Last evaluated: 2018-01-12. Review status: criteria provided, single submitter. Criteria: ICSL Variant Classification Criteria 13 December 2019. Collection method: clinical testing. Allele origin: germline.

Clinical Genetics DNA and cytogenetics Diagnostics Lab, Erasmus MC, Erasmus Medical Center
Classification: Likely benign. Review status: no assertion criteria provided. Collection method: clinical testing. Allele origin: germline. Affected: yes. Study: VKGL Data-share Consensus. Not counted in ClinVar's aggregate classification.

Clinical Genetics, Academic Medical Center
Classification: Benign. Review status: no assertion criteria provided. Collection method: clinical testing. Allele origin: germline. Affected: yes. Study: VKGL Data-share Consensus. Not counted in ClinVar's aggregate classification.

NM_006343.3(MERTK):c.1960+8C>T

Gene: MERTK (MER proto-oncogene, tyrosine kinase; plus strand). Cytogenetic location: 2q13.
Variant type: single nucleotide variant.
Coding change: c.1960+8C>T on transcript NM_006343.3 (MANE Select); 8 bases into the intron after coding-DNA position 1960, C replaced by T.
Molecular consequence: intron variant.
Genome position (GRCh38, 1-based): chr2:112,008,483, C>T. VCF-style: chr2-112008483-C-T. GRCh37 (hg19) VCF-style: chr2-112766060-C-T.
Identifiers: ClinVar variation 330763 (VCV000330763.32), dbSNP rs112541306, ClinGen allele CA1831595.